The following is an entry in ClinVar:

ClinVar aggregate classification (germline): Uncertain significance (1 of 4 stars; one submission).

Conditions:
Autosomal dominant childhood-onset proximal spinal muscular atrophy with contractures (SMALED2A). Also called: SPINAL MUSCULAR ATROPHY, LOWER EXTREMITY-PREDOMINANT, 2A, CHILDHOOD ONSET, AUTOSOMAL DOMINANT; Spinal muscular atrophy, lower extremity-predominant, 2A, autosomal dominant. Identifiers: Orphanet 363447, Orphanet 363454, MedGen C4747715, MONDO:0014121, OMIM 615290.

Allele frequency attached by ClinVar (database versions not stated): gnomAD exomes below 0.00001; TOPMed below 0.00001; ExAC 0.00002.
gnomAD v4.1: 7 of 1,614,112 alleles (0.00043%); highest among the groups gnomAD compares: Admixed American, 0.0017%; no homozygotes.

Submission:

Labcorp Genetics (formerly Invitae), Labcorp
Classification: Uncertain significance for Autosomal dominant childhood-onset proximal spinal muscular atrophy with contractures. Last evaluated: 2024-06-10. Review status: criteria provided, single submitter. Criteria: Invitae Variant Classification Sherloc (09022015). Collection method: clinical testing. Allele origin: germline.
Comment: This sequence change replaces arginine, which is basic and polar, with histidine, which is basic and polar, at codon 653 of the BICD2 protein (p.Arg653His). This variant is present in population databases (rs772514098, gnomAD 0.004%). This variant has not been reported in the literature in individuals affected with BICD2-related conditions. Advanced modeling of protein sequence and biophysical properties (such as structural, functional, and spatial information, amino acid conservation, physicochemical variation, residue mobility, and thermodynamic stability) performed at Invitae indicates that this missense variant is not expected to disrupt BICD2 protein function with a negative predictive value of 80%. In summary, the available evidence is currently insufficient to determine the role of this variant in disease. Therefore, it has been classified as a Variant of Uncertain Significance.

NM_001003800.2(BICD2):c.1958G>A (p.Arg653His)

Gene: BICD2 (BICD cargo adaptor 2; minus strand). Cytogenetic location: 9q22.31.
Variant type: single nucleotide variant.
Coding change: c.1958G>A on transcript NM_001003800.2 (MANE Select); coding-DNA position 1958, G replaced by A.
Protein change: p.Arg653His; replaces arginine 653 with histidine.
Molecular consequence: missense variant.
Genome position (GRCh38, 1-based): chr9:92,718,687, C>T on the plus strand (G>A on the coding strand, the complement: BICD2 is on the minus strand). VCF-style: chr9-92718687-C-T. GRCh37 (hg19) VCF-style: chr9-95480969-C-T.
Other names: c.1958G>A, p.Arg653His (NM_015250.4); short protein forms R653H.
Identifiers: ClinVar variation 2859701 (VCV002859701.3), dbSNP rs772514098, ClinGen allele CA5126441.